The following is an entry in ClinVar:

ClinVar aggregate classification (germline): Uncertain significance (1 of 4 stars; one submission).

Submission:

ISCA site 4
Classification: Uncertain significance. Last evaluated: 2011-08-12. Review status: criteria provided, single submitter. Criteria: Kaminsky et al. (Genet Med. 2011). Collection method: clinical testing. Allele origin: maternal. Affected: yes. Observed: 1 variant allele.
Comment: Copy number variation identified through the course of routine clinical cytogenomic testing in postnatal populations. Clinical assertions have been curated as described in Kaminsky et al. 2011.

GRCh38/hg38 22q12.2(chr22:29664957-29713572)x3

Genes: CABP7-DT (CABP7 divergent transcript; minus strand), NF2 (NF2, moesin-ezrin-radixin like (MERLIN) tumor suppressor; plus strand). Cytogenetic location: 22q12.2.
Variant type: copy number gain.
Change: copy number 3 (three copies instead of two) of chr22:29,664,957-29,713,572 (48.6 kb, GRCh38 coordinates, 1-based), cytogenetic band 22q12.2.
Identifiers: ClinVar variation 57484 (VCV000057484.1).